The following is an entry in ClinVar:

ClinVar aggregate classification (germline): Uncertain significance (1 of 4 stars; one submission).

Submission:

GeneDx
Classification: Uncertain significance. Last evaluated: 2023-11-03. Review status: criteria provided, single submitter. Criteria: GeneDx Variant Classification Process June 2021. Collection method: clinical testing. Allele origin: germline. Affected: yes.
Comment: Not observed at significant frequency in large population cohorts (gnomAD); In silico analysis supports that this missense variant has a deleterious effect on protein structure/function; Has not been previously published as pathogenic or benign to our knowledge

NM_001379403.1(WDR26):c.1037A>G (p.Asn346Ser)

Gene: WDR26 (WD repeat domain 26; minus strand). Cytogenetic location: 1q42.12.
Variant type: single nucleotide variant.
Coding change: c.1037A>G on transcript NM_001379403.1 (MANE Select); coding-DNA position 1037, A replaced by G.
Protein change: p.Asn346Ser; replaces asparagine 346 with serine.
Molecular consequence: missense variant.
Genome position (GRCh38, 1-based): chr1:224,424,545, T>C on the plus strand (A>G on the coding strand, the complement: WDR26 is on the minus strand). VCF-style: chr1-224424545-T-C. GRCh37 (hg19) VCF-style: chr1-224612247-T-C.
Other names: c.689A>G, p.Asn230Ser (NM_001115113.3); c.737A>G, p.Asn246Ser (NM_025160.7); short protein forms N230S, N246S, N346S.
Identifiers: ClinVar variation 3363878 (VCV003363878.1).